The following is an entry in ClinVar:

NM_173602.3(DIP2B):c.3613C>T (p.Leu1205Phe)

Gene: DIP2B (DIP2 acetate--CoA ligase B (putative); plus strand). Cytogenetic location: 12q13.12.
Variant type: single nucleotide variant.
Coding change: c.3613C>T on transcript NM_173602.3 (MANE Select); coding-DNA position 3613, C replaced by T.
Protein change: p.Leu1205Phe; replaces leucine 1205 with phenylalanine.
Molecular consequence: missense variant.
Genome position (GRCh38, 1-based): chr12:50,728,650, C>T. VCF-style: chr12-50728650-C-T. GRCh37 (hg19) VCF-style: chr12-51122433-C-T.
Other names: short protein forms L1205F.
Identifiers: ClinVar variation 4887168 (VCV004887168.1).
Genomic context (GRCh38, chr12:50,728,650, plus strand): 5'-CTCCAGTGTGAGTTGTACTCTTCTCGGCAGATCGCCATCTGCCTTGACCCTTACTGTGGA[C>T]TTGGCTTCGCGCTCTGGTGTCTCTGCAGGTAGGGATGGAAAAGCCAAGGAGACAGAATGT-3'
Protein context (NP_775873.2, residues 1195-1215): IAICLDPYCG[Leu1205Phe]GFALWCLCSV

ClinVar aggregate classification (germline): Uncertain significance (1 of 4 stars; one submission).

gnomAD v4.1: 3 of 1,614,112 alleles (0.00019%); highest among the groups gnomAD compares: Admixed American, 0.0033%; no homozygotes.

Submission:

Women's Health and Genetics/Laboratory Corporation of America, LabCorp
Classification: Uncertain significance. Last evaluated: 2026-06-30. Review status: criteria provided, single submitter. Criteria: LabCorp Variant Classification Summary - May 2015. Collection method: clinical testing. Allele origin: germline.
Comment: Variant summary: DIP2B c.3613C>T (p.Leu1205Phe) results in a non-conservative amino acid change in the encoded protein sequence. Algorithms developed to predict the effect of missense changes on protein structure and function are either unavailable or do not agree on the potential impact of this missense change. The variant allele was found at a frequency of 1.2e-05 in 251390 control chromosomes. The available data on variant occurrences in the general population are insufficient to allow any conclusion about variant significance. To our knowledge, no occurrence of c.3613C>T in individuals affected with DIP2B-related conditions and no experimental evidence demonstrating its impact on protein function have been reported. No submitters have cited clinical-significance assessments for this variant to ClinVar. Based on the evidence outlined above, the variant was classified as uncertain significance.